The following is an entry in ClinVar:

ClinVar aggregate classification (germline): Uncertain significance (1 of 4 stars; one submission).

Allele frequency attached by ClinVar (database versions not stated): gnomAD exomes 0.00001 and 0.00002; gnomAD 0.00001; TOPMed 0.00001.
gnomAD v4.1: 7 of 1,535,424 alleles (0.00046%); highest among the groups gnomAD compares: Non-Finnish European, 0.00061%; no homozygotes.

Submission:

Women's Health and Genetics/Laboratory Corporation of America, LabCorp
Classification: Uncertain significance. Last evaluated: 2022-05-12. Review status: criteria provided, single submitter. Criteria: LabCorp Variant Classification Summary - May 2015. Collection method: clinical testing. Allele origin: germline.
Comment: Variant summary: KIAA0586 c.1A>G (p.Met1Val) alters the initiation codon and is predicted to result either in absence of the protein or truncation of the encoded protein due to translation initiation at a downstream codon (the next methionine is located at codon 13). Three of four in-silico tools predict a benign effect of the variant on protein function. The variant allele was found at a frequency of 1.5e-05 in 129574 control chromosomes (gnomAD). The available data on variant occurrences in the general population are insufficient to allow any conclusion about variant significance. To our knowledge, no occurrence of c.1A>G in individuals affected with Joubert Syndrome And Related Disorders and no experimental evidence demonstrating its impact on protein function have been reported. No clinical diagnostic laboratories have submitted clinical-significance assessments for this variant to ClinVar after 2014. Based on the evidence outlined above, the variant was classified as uncertain significance.

NM_001244189.2(KIAA0586):c.1A>G (p.Met1Val)

Gene: KIAA0586 (KIAA0586; plus strand). Cytogenetic location: 14q23.1.
Variant type: single nucleotide variant.
Coding change: c.1A>G on transcript NM_001244189.2; coding-DNA position 1, A replaced by G.
Protein change: p.Met1Val; changes the start codon (methionine 1).
Molecular consequence: missense variant, initiator codon variant. On other transcripts: 5 prime UTR variant (3).
Genome position (GRCh38, 1-based): chr14:58,427,629, A>G. VCF-style: chr14-58427629-A-G. GRCh37 (hg19) VCF-style: chr14-58894347-A-G.
Other names: c.-47A>G (NM_001244190.2); c.-65A>G (NM_001244191.2, NM_001244192.2); short protein forms M1V.
Identifiers: ClinVar variation 1696181 (VCV001696181.2), dbSNP rs1298293774, ClinGen allele CA389858820.